The following is an entry in ClinVar:

NC_000014.8:g.(?_105452081)_(105644072_?)del

Genes: CDCA4 (cell division cycle associated 4; minus strand), CLBA1 (clathrin binding box of aftiphilin containing 1; plus strand), GPR132 (G protein-coupled receptor 132; minus strand), JAG2 (jagged canonical Notch ligand 2; minus strand), NUDT14 (nudix hydrolase 14; minus strand). Cytogenetic location: 14q32.33.
Variant type: Deletion.
Identifiers: ClinVar variation 2424377 (VCV002424377.4).

ClinVar aggregate classification (germline): Uncertain significance (1 of 4 stars; one submission).

Submission:

Labcorp Genetics (formerly Invitae), Labcorp
Classification: Uncertain significance. Last evaluated: 2022-08-12. Review status: criteria provided, single submitter. Criteria: Invitae Variant Classification Sherloc (09022015). Collection method: clinical testing. Allele origin: germline.
Comment: In summary, the available evidence is currently insufficient to determine the role of this variant in disease. Therefore, it has been classified as a Variant of Uncertain Significance. Isolated whole-gene deletions of JAG2 have not been reported in the literature. However, larger copy number events that include this gene have been reported (PMID: 23074674, 33861953). A gross deletion of the genomic region encompassing the full coding sequence of the JAG2 gene has been identified. The current clinical and genetic evidence is not sufficient to establish whether loss-of-function variants in JAG2 cause disease. The boundaries of this event are unknown as they extend beyond the assayed region for this gene and therefore may encompass additional genes.

Literature cited by the submitters: PubMed 23074674; PubMed 33861953.